The following is an entry in ClinVar:

NM_001080467.3(MYO5B):c.546C>T (p.Thr182=)

Gene: MYO5B (myosin VB; minus strand). Cytogenetic location: 18q21.1.
Variant type: single nucleotide variant.
Coding change: c.546C>T on transcript NM_001080467.3 (MANE Select); coding-DNA position 546, C replaced by T.
Protein change: p.Thr182=; no amino-acid change (threonine 182 retained).
Molecular consequence: synonymous variant.
Genome position (GRCh38, 1-based): chr18:50,001,321, G>A on the plus strand (C>T on the coding strand, the complement: MYO5B is on the minus strand). VCF-style: chr18-50001321-G-A. GRCh37 (hg19) VCF-style: chr18-47527691-G-A.
Identifiers: ClinVar variation 800042 (VCV000800042.11), dbSNP rs935971328, ClinGen allele CA299989320.
Genomic context (GRCh38, chr18:50,001,321, plus strand): 5'-GATGGGACTGGATGCCAGCACCTTCTCTTCGATGTTGGTTTCACTGGCCGAGCCACCAAC[G>A]GTGGCGAAATAGCGCATGGCATACTTGGCTGATACCGTCTTCCCGGCTCCAGACTCCCCA-3'
Protein context (NP_001073936.1, residues 172-192): SAKYAMRYFA[Thr182=]VGGSASETNI

ClinVar aggregate classification (germline): Likely benign. Review status: criteria provided, single submitter (1 of 4 stars). 2 submissions from 2 submitters: Likely benign (1). 1 of the submissions does not count toward it. Last evaluated 2025-10-31.

Conditions:
MYO5B-related disorder. Also called: MYO5B-related condition.

Allele frequency attached by ClinVar (database versions not stated): TOPMed 0.00002; gnomAD 0.00004.
gnomAD v4.1: 38 of 1,614,086 alleles (0.0024%); highest among the groups gnomAD compares: African/African-American, 0.0093%; no homozygotes.

Submissions (2):

Labcorp Genetics (formerly Invitae), Labcorp
Classification: Likely benign. Last evaluated: 2025-10-31. Review status: criteria provided, single submitter. Criteria: Invitae Variant Classification Sherloc (09022015). Collection method: clinical testing. Allele origin: germline.

PreventionGenetics, part of Exact Sciences
Classification: Likely benign for MYO5B-related condition. Last evaluated: 2022-06-21. Review status: no assertion criteria provided. Collection method: clinical testing. Allele origin: germline. Not counted in ClinVar's aggregate classification.
Comment: This variant is classified as likely benign based on ACMG/AMP sequence variant interpretation guidelines (Richards et al. 2015 PMID: 25741868, with internal and published modifications).